The following is an entry in ClinVar:

ClinVar aggregate classification (germline): Uncertain significance (1 of 4 stars; one submission).

Conditions:
Developmental and epileptic encephalopathy, 8 (DEE8). Also called: HYPEREKPLEXIA AND EPILEPSY. Identifiers: Orphanet 163985, Orphanet 2076, MedGen C1845102, MONDO:0010375, OMIM 300607.

Submission:

Labcorp Genetics (formerly Invitae), Labcorp
Classification: Uncertain significance for Developmental and epileptic encephalopathy, 8. Last evaluated: 2024-09-12. Review status: criteria provided, single submitter. Criteria: Invitae Variant Classification Sherloc (09022015). Collection method: clinical testing. Allele origin: germline.
Comment: This sequence change replaces aspartic acid, which is acidic and polar, with tyrosine, which is neutral and polar, at codon 165 of the ARHGEF9 protein (p.Asp165Tyr). This variant is not present in population databases (gnomAD no frequency). This variant has not been reported in the literature in individuals affected with ARHGEF9-related conditions. Invitae Evidence Modeling of protein sequence and biophysical properties (such as structural, functional, and spatial information, amino acid conservation, physicochemical variation, residue mobility, and thermodynamic stability) has been performed for this missense variant. However, the output from this modeling did not meet the statistical confidence thresholds required to predict the impact of this variant on ARHGEF9 protein function. In summary, the available evidence is currently insufficient to determine the role of this variant in disease. Therefore, it has been classified as a Variant of Uncertain Significance.

NM_001353921.2(ARHGEF9):c.514G>T (p.Asp172Tyr)

Gene: ARHGEF9 (Cdc42 guanine nucleotide exchange factor 9; minus strand). Cytogenetic location: Xq11.1.
Variant type: single nucleotide variant.
Coding change: c.514G>T on transcript NM_001353921.2 (MANE Select); coding-DNA position 514, G replaced by T.
Protein change: p.Asp172Tyr; replaces aspartic acid 172 with tyrosine.
Molecular consequence: missense variant.
Genome position (GRCh38, 1-based): chrX:63,697,193, C>A on the plus strand (G>T on the coding strand, the complement: ARHGEF9 is on the minus strand). VCF-style: chrX-63697193-C-A. GRCh37 (hg19) VCF-style: chrX-62917073-C-A.
Other names: c.334G>T, p.Asp112Tyr (NM_001173479.2); c.187G>T, p.Asp63Tyr (NM_001173480.2, NM_001369042.1); c.430G>T, p.Asp144Tyr (NM_001330495.2, NM_001353927.2, NM_001369033.1 and 8 more transcripts); c.514G>T, p.Asp172Tyr (NM_001353922.2); c.532G>T, p.Asp178Tyr (NM_001353923.1); c.313G>T, p.Asp105Tyr (NM_001353924.2, NM_001353926.2, NM_001369039.1 and 1 more transcripts); c.493G>T, p.Asp165Tyr (NM_001353928.2, NM_001369030.1, NM_001369031.1 and 2 more transcripts); c.79G>T, p.Asp27Tyr (NM_001369045.1); short protein forms D178Y, D63Y, D112Y, D144Y, D172Y, D27Y, D105Y, D165Y.
Identifiers: ClinVar variation 3711423 (VCV003711423.2).